The following is an entry in ClinVar:

NM_001024613.4(FEZF1):c.523G>C (p.Gly175Arg)

Genes: FEZF1 (FEZ family zinc finger 1; minus strand), FEZF1-AS1 (FEZF1 antisense RNA 1; plus strand). Cytogenetic location: 7q31.32.
Variant type: single nucleotide variant.
Coding change: c.523G>C on transcript NM_001024613.4 (MANE Select); coding-DNA position 523, G replaced by C.
Protein change: p.Gly175Arg; replaces glycine 175 with arginine.
Molecular consequence: missense variant. On other transcripts: non-coding transcript variant (1), intron variant (1).
Genome position (GRCh38, 1-based): chr7:122,303,915, C>G on the plus strand (G>C on the coding strand, the complement: FEZF1 is on the minus strand). VCF-style: chr7-122303915-C-G. GRCh37 (hg19) VCF-style: chr7-121943969-C-G.
Other names: c.430-57G>C (NM_001160264.2); short protein forms G175R.
Identifiers: ClinVar variation 718873 (VCV000718873.12), dbSNP rs570196942, ClinGen allele CA4458980.

ClinVar aggregate classification (germline): Likely benign. Review status: criteria provided, multiple submitters, no conflicts (2 of 4 stars). 3 submissions from 3 submitters: Likely benign (2). 1 of the submissions does not count toward it. Last evaluated 2025-12-23.

Conditions:
FEZF1-related disorder. Also called: FEZF1-related condition.

Allele frequency attached by ClinVar (database versions not stated): 1000 Genomes Project 30x 0.00078; TOPMed 0.00040; 1000 Genomes Project 0.00080; gnomAD 0.00006; gnomAD exomes 0.00063; ExAC 0.00052.
gnomAD v4.1: 279 of 1,612,876 alleles (0.017%); highest among the groups gnomAD compares: Admixed American, 0.43%; 1 homozygote.

Submissions (3):

Labcorp Genetics (formerly Invitae), Labcorp
Classification: Likely benign. Last evaluated: 2025-12-23. Review status: criteria provided, single submitter. Criteria: Invitae Variant Classification Sherloc (09022015). Collection method: clinical testing. Allele origin: germline.

Breakthrough Genomics
Classification: Likely benign. Review status: criteria provided, single submitter. Criteria: ACMG Guidelines, 2015. Collection method: not provided. Allele origin: germline. Inheritance: Autosomal recessive inheritance. Affected: yes.

PreventionGenetics, part of Exact Sciences
Classification: Likely benign for FEZF1-related condition. Last evaluated: 2022-12-19. Review status: no assertion criteria provided. Collection method: clinical testing. Allele origin: germline. Not counted in ClinVar's aggregate classification.
Comment: This variant is classified as likely benign based on ACMG/AMP sequence variant interpretation guidelines (Richards et al. 2015 PMID: 25741868, with internal and published modifications).